The following is an entry in ClinVar:

NM_004947.5(DOCK3):c.3837C>T (p.Leu1279=)

Gene: DOCK3 (dedicator of cytokinesis 3; plus strand). Cytogenetic location: 3p21.2.
Variant type: single nucleotide variant.
Coding change: c.3837C>T on transcript NM_004947.5 (MANE Select); coding-DNA position 3837, C replaced by T.
Protein change: p.Leu1279=; no amino-acid change (leucine 1279 retained).
Molecular consequence: synonymous variant.
Genome position (GRCh38, 1-based): chr3:51,341,307, C>T. VCF-style: chr3-51341307-C-T. GRCh37 (hg19) VCF-style: chr3-51378738-C-T.
Identifiers: ClinVar variation 4535052 (VCV004535052.6).

ClinVar aggregate classification (germline): Likely benign (1 of 4 stars; one submission).

gnomAD v4.1: 2 of 1,613,042 alleles (0.00012%); highest among the groups gnomAD compares: Non-Finnish European, 0.000085%; no homozygotes.

Submission:

CeGaT Center for Human Genetics Tuebingen
Classification: Likely benign. Last evaluated: 2025-10-01. Review status: criteria provided, single submitter. Criteria: CeGaT Center For Human Genetics Tuebingen Variant Classification Criteria Version 2. Collection method: clinical testing. Allele origin: germline. Affected: yes. Observed: 1 variant allele.
Comment: DOCK3: BP4, BP7